The following is an entry in ClinVar:

ClinVar aggregate classification (germline): Uncertain significance. Review status: criteria provided, single submitter (1 of 4 stars). 2 submissions from 2 submitters: Uncertain significance (1). 1 of the submissions does not count toward it. Last evaluated 2024-08-05.

Conditions:
PLXNA3-related disorder. Also called: PLXNA3-related condition.

Allele frequency attached by ClinVar (database versions not stated): gnomAD exomes 0.00013; ESP Exome Variant Server 0.00019; ExAC 0.00030; gnomAD 0.00039; TOPMed 0.00042.
gnomAD v4.1: 182 of 1,202,693 alleles (0.015%); highest among the groups gnomAD compares: African/African-American, 0.13%; no homozygotes.

Submissions (2):

Ambry Genetics
Classification: Uncertain significance. Last evaluated: 2024-08-05. Review status: criteria provided, single submitter. Criteria: Ambry Variant Classification Scheme 2023. Collection method: clinical testing. Allele origin: germline.

PreventionGenetics, part of Exact Sciences
Classification: Likely benign for PLXNA3-related condition. Last evaluated: 2023-04-12. Review status: no assertion criteria provided. Collection method: clinical testing. Allele origin: germline. Not counted in ClinVar's aggregate classification.
Comment: This variant is classified as likely benign based on ACMG/AMP sequence variant interpretation guidelines (Richards et al. 2015 PMID: 25741868, with internal and published modifications).

NM_017514.5(PLXNA3):c.1918G>A (p.Val640Ile)

Gene: PLXNA3 (plexin A3; plus strand). Cytogenetic location: Xq28.
Variant type: single nucleotide variant.
Coding change: c.1918G>A on transcript NM_017514.5 (MANE Select); coding-DNA position 1918, G replaced by A.
Protein change: p.Val640Ile; replaces valine 640 with isoleucine.
Molecular consequence: missense variant.
Genome position (GRCh38, 1-based): chrX:154,464,491, G>A. VCF-style: chrX-154464491-G-A. GRCh37 (hg19) VCF-style: chrX-153692834-G-A.
Other names: short protein forms V640I.
Identifiers: ClinVar variation 2357102 (VCV002357102.5), dbSNP rs142513042, ClinGen allele CA10564210.